The following is an entry in ClinVar:

ClinVar aggregate classification (germline): Uncertain significance (1 of 4 stars; one submission).

gnomAD v4.1: 1 of 1,613,756 alleles (0.000062%); highest among the groups gnomAD compares: Non-Finnish European, 0.000085%; no homozygotes.

Submission:

GeneDx
Classification: Uncertain significance. Last evaluated: 2024-10-29. Review status: criteria provided, single submitter. Criteria: GeneDx Variant Classification Process June 2021. Collection method: clinical testing. Allele origin: germline. Affected: yes.
Comment: Not observed at significant frequency in large population cohorts (gnomAD); In silico analysis indicates that this missense variant does not alter protein structure/function; Has not been previously published as pathogenic or benign to our knowledge

NM_000875.5(IGF1R):c.2799C>G (p.Phe933Leu)

Gene: IGF1R (insulin like growth factor 1 receptor; plus strand). Cytogenetic location: 15q26.3.
Variant type: single nucleotide variant.
Coding change: c.2799C>G on transcript NM_000875.5 (MANE Select); coding-DNA position 2799, C replaced by G.
Protein change: p.Phe933Leu; replaces phenylalanine 933 with leucine.
Molecular consequence: missense variant.
Genome position (GRCh38, 1-based): chr15:98,929,574, C>G. VCF-style: chr15-98929574-C-G. GRCh37 (hg19) VCF-style: chr15-99472803-C-G.
Other names: c.2796C>G, p.Phe932Leu (NM_001291858.2); short protein forms F932L, F933L.
Identifiers: ClinVar variation 3897441 (VCV003897441.1).